The following is an entry in ClinVar:

NM_000535.7(PMS2):c.2175-18C>T

Gene: PMS2 (PMS1 homolog 2, mismatch repair system component; minus strand). Cytogenetic location: 7p22.1.
Variant type: single nucleotide variant.
Coding change: c.2175-18C>T on transcript NM_000535.7 (MANE Select); 18 bases into the intron before coding-DNA position 2175, C replaced by T.
Molecular consequence: intron variant.
Genome position (GRCh38, 1-based): chr7:5,978,714, G>A on the plus strand (C>T on the coding strand, the complement: PMS2 is on the minus strand). VCF-style: chr7-5978714-G-A. GRCh37 (hg19) VCF-style: chr7-6018345-G-A.
Other names: c.1857-18C>T (NM_001322008.2, NM_001406883.1, NM_001322007.2 and 1 more transcripts); c.1866-18C>T (NM_001406881.1, NM_001406879.1, NM_001322015.2 and 5 more transcripts); c.1770-18C>T (NM_001406895.1, NM_001322004.2, NM_001406889.1 and 14 more transcripts); c.1404-18C>T (NM_001406911.1); c.1614-18C>T (NM_001322010.2, NM_001406906.1, NM_001406907.1); c.1701-18C>T (NM_001406902.1, NM_001406901.1); c.1662-18C>T (NM_001406904.1, NM_001406905.1); c.1602-18C>T (NM_001322013.2, NM_001406908.1, NM_001406909.1); and 16 more.
Identifiers: ClinVar variation 3730489 (VCV003730489.3).

ClinVar aggregate classification (germline): Likely benign. Review status: criteria provided, multiple submitters, no conflicts (2 of 4 stars). 2 submissions from 2 submitters: Likely benign (2). Last evaluated 2025-02-03.

Conditions:
Hereditary nonpolyposis colorectal neoplasms. Identifiers: MedGen C0009405, MeSH D003123.
Lynch syndrome 4 (LYNCH4). Also called: Colorectal cancer, hereditary nonpolyposis, type 4; Hereditary non-polyposis colorectal cancer, type 4. Identifiers: Orphanet 144, MedGen C1838333, MONDO:0013699, OMIM 614337. Disease mechanism: loss of function.

Submissions (2):

Myriad Genetics, Inc.
Classification: Likely benign for Lynch syndrome 4. Last evaluated: 2025-02-03. Review status: criteria provided, single submitter. Criteria: Myriad Autosomal Dominant, Autosomal Recessive and X-Linked Classification Criteria (2023). Collection method: clinical testing. Allele origin: unknown.
Comment: This variant is considered likely benign. This variant is intronic and is not expected to impact mRNA splicing.

Labcorp Genetics (formerly Invitae), Labcorp
Classification: Likely benign for Hereditary nonpolyposis colorectal neoplasms. Last evaluated: 2024-06-19. Review status: criteria provided, single submitter. Criteria: Invitae Variant Classification Sherloc (09022015). Collection method: clinical testing. Allele origin: germline.